The following is an entry in ClinVar:

NM_002769.5(PRSS1):c.116T>C (p.Val39Ala)

Genes: PRSS1 (serine protease 1; plus strand), TRB (T cell receptor beta locus; plus strand). Cytogenetic location: 7q34.
Variant type: single nucleotide variant.
Coding change: c.116T>C on transcript NM_002769.5 (MANE Select); coding-DNA position 116, T replaced by C.
Protein change: p.Val39Ala; replaces valine 39 with alanine.
Molecular consequence: missense variant.
Genome position (GRCh38, 1-based): chr7:142,750,630, T>C. VCF-style: chr7-142750630-T-C. GRCh37 (hg19) VCF-style: chr7-142458481-T-C.
Other names: short protein forms V39A.
Identifiers: ClinVar variation 1454580 (VCV001454580.7), dbSNP rs397507439, ClinGen allele CA342993.

ClinVar aggregate classification (germline): Pathogenic (1 of 4 stars; one submission).

Conditions:
Hereditary pancreatitis (PCTT). Also called: PRSS1-Related Hereditary Pancreatitis; Hereditary chronic pancreatitis. Identifiers: Orphanet 676, MedGen C0238339, MONDO:0008185, OMIM 167800.

Submission:

Labcorp Genetics (formerly Invitae), Labcorp
Classification: Pathogenic for Hereditary pancreatitis. Last evaluated: 2021-01-08. Review status: criteria provided, single submitter. Criteria: Invitae Variant Classification Sherloc (09022015). Collection method: clinical testing. Allele origin: germline.
Comment: For these reasons, this variant has been classified as Pathogenic. Experimental studies have shown that this variant affects PRSS1 protein function (PMID: 22539344). This variant has been observed in individual(s) with chronic pancreatitis (PMID: 16227369). It has also been observed to segregate with disease in related individuals. This variant is not present in population databases (ExAC no frequency). This sequence change replaces valine with alanine at codon 39 of the PRSS1 protein (p.Val39Ala). The valine residue is highly conserved and there is a small physicochemical difference between valine and alanine.

Literature cited by the submitters: PubMed 22539344; PubMed 16227369.